The following is an entry in ClinVar:

NM_001365276.2(TNXB):c.2622C>T (p.Tyr874=)

Gene: TNXB (tenascin XB; minus strand). Cytogenetic location: 6p21.33.
Variant type: single nucleotide variant.
Coding change: c.2622C>T on transcript NM_001365276.2 (MANE Select); coding-DNA position 2622, C replaced by T.
Protein change: p.Tyr874=; no amino-acid change (tyrosine 874 retained).
Molecular consequence: synonymous variant.
Genome position (GRCh38, 1-based): chr6:32,088,942, G>A on the plus strand (C>T on the coding strand, the complement: TNXB is on the minus strand). VCF-style: chr6-32088942-G-A. GRCh37 (hg19) VCF-style: chr6-32056719-G-A.
Other names: c.2622C>T, p.Tyr874= (NM_019105.8).
Identifiers: ClinVar variation 1201749 (VCV001201749.9), dbSNP rs1020179767, ClinGen allele CA136900718.
Genomic context (GRCh38, chr6:32,088,942, plus strand): 5'-CAGCGTCCCGTCTGCTTCAGGGGGCACTTCCAGCCTCACCCTCTGGTTGCCGGCACTGAC[G>A]TAGGACACCACAAATCGGTCCACCTCAGCCTGGGGACGCAGCCAGCCAAGCTCCAGTGTT-3'
Protein context (NP_001352205.1, residues 864-884): QAEVDRFVVS[Tyr874=]VSAGNQRVRL

ClinVar aggregate classification (germline): Likely benign. Review status: criteria provided, multiple submitters, no conflicts (2 of 4 stars). 5 submissions from 5 submitters: Likely benign (5). Last evaluated 2026-06-01.

Conditions:
Cardiovascular phenotype. Identifiers: MedGen CN230736.

Allele frequency attached by ClinVar (database versions not stated): gnomAD exomes 0.00002; gnomAD 0.00010 and 0.00011; TOPMed 0.00020.

Submissions (5):

Women's Health and Genetics/Laboratory Corporation of America, LabCorp
Classification: Likely benign. Last evaluated: 2026-06-01. Review status: criteria provided, single submitter. Criteria: LabCorp Variant Classification Summary - May 2015. Collection method: clinical testing. Allele origin: germline.

CeGaT Center for Human Genetics Tuebingen
Classification: Likely benign. Last evaluated: 2026-04-01. Review status: criteria provided, single submitter. Criteria: CeGaT Center For Human Genetics Tuebingen Variant Classification Criteria Version 2. Collection method: clinical testing. Allele origin: germline. Affected: yes. Observed: 1 variant allele.
Comment: TNXB: BP4, BP7

Labcorp Genetics (formerly Invitae), Labcorp
Classification: Likely benign. Last evaluated: 2025-11-18. Review status: criteria provided, single submitter. Criteria: Invitae Variant Classification Sherloc (09022015). Collection method: clinical testing. Allele origin: germline.

GeneDx
Classification: Likely benign. Last evaluated: 2021-05-05. Review status: criteria provided, single submitter. Criteria: GeneDx Variant Classification Process June 2021. Collection method: clinical testing. Allele origin: germline. Affected: yes.

Ambry Genetics
Classification: Likely benign for Cardiovascular phenotype. Last evaluated: 2019-06-17. Review status: criteria provided, single submitter. Criteria: Ambry Variant Classification Scheme 2023. Collection method: clinical testing. Allele origin: germline.